The following is an entry in ClinVar:

ClinVar aggregate classification (germline): Benign (1 of 4 stars; one submission).

Conditions:
DICER1-related tumor predisposition. Also called: DICER1 syndrome; DICER1-related pleuropulmonary blastoma cancer predisposition syndrome. Identifiers: Orphanet 284343, MedGen C3839822, MONDO:0100216.

Submission:

Myriad Genetics, Inc.
Classification: Benign for DICER1-related tumor predisposition. Last evaluated: 2026-04-20. Review status: criteria provided, single submitter. Criteria: Myriad Autosomal Dominant, Autosomal Recessive and X-Linked Classification Criteria (2023). Collection method: clinical testing. Allele origin: unknown.
Comment: This variant is considered benign. This variant is a silent/synonymous amino acid change and it is not expected to impact splicing.

NM_177438.3(DICER1):c.4866T>G (p.Ala1622=)

Gene: DICER1 (dicer 1, ribonuclease III; minus strand). Cytogenetic location: 14q32.13.
Variant type: single nucleotide variant.
Coding change: c.4866T>G on transcript NM_177438.3 (MANE Select); coding-DNA position 4866, T replaced by G.
Protein change: p.Ala1622=; no amino-acid change (alanine 1622 retained).
Molecular consequence: synonymous variant. On other transcripts: non-coding transcript variant (6).
Genome position (GRCh38, 1-based): chr14:95,096,054, A>C on the plus strand (T>G on the coding strand, the complement: DICER1 is on the minus strand). VCF-style: chr14-95096054-A-C. GRCh37 (hg19) VCF-style: chr14-95562391-A-C.
Other names: c.4866T>G, p.Ala1622= (NM_030621.4, NM_001195573.1, NM_001271282.3 and 12 more transcripts); c.4584T>G, p.Ala1528= (NM_001395686.1); c.4461T>G, p.Ala1487= (NM_001395687.1, NM_001395688.1, NM_001395689.1 and 2 more transcripts); c.4299T>G, p.Ala1433= (NM_001395691.1); c.3183T>G, p.Ala1061= (NM_001395697.1).
Identifiers: ClinVar variation 4875931 (VCV004875931.1).